The following is an entry in ClinVar:

GRCh37/hg19 1q21.1-21.2(chr1:145895746-147897962)x1

Genes: ACP6 (acid phosphatase 6, lysophosphatidic; minus strand), BCL9 (BCL9 transcription coactivator; plus strand), CHD1L (chromodomain helicase DNA binding protein 1 like; plus strand), FMO5 (flavin containing dimethylaniline monoxygenase 5; minus strand), GJA5 (gap junction protein alpha 5; minus strand) and 5 more. Cytogenetic location: 1q21.1-21.2.
Variant type: copy number loss.
Change: copy number 1 (one copy instead of two) of chr1:145,895,746-147,897,962 (2.00 Mb, GRCh37 coordinates, 1-based), cytogenetic band 1q21.1-21.2.
Identifiers: ClinVar variation 565169 (VCV000565169.3).

ClinVar aggregate classification (germline): Pathogenic (1 of 4 stars; one submission).

Submission:

Quest Diagnostics Nichols Institute San Juan Capistrano
Classification: Pathogenic. Last evaluated: 2021-12-29. Review status: criteria provided, single submitter. Criteria: ACMG/ClinGen CNV Guidelines, 2019. Collection method: clinical testing. Allele origin: unknown.
Comment: The 1q21.1q21.2 deletion is consistent with the 1q21.1 deletion syndrome (OMIM 612474). De novo and inherited deletions and duplications of this locus have been associated with a broad range of features including developmental delay and congenital anomalies such as heart defects, dysmorphic features, microcephaly, and neurodevelopmental problems (Bernier et al. Genet Med. 2016;18:341-349. PMID: 26066539; Mefford HC et al., N Engl J Med 2008; 359:1685-99, PMID: 18784092; Brunetti-Pierri N et al., Nat Genet. 2008;40:1466-71, PMID: 19029900; Digilio et al., Eur J Med Genet. 2013 Mar;56(3):144-9. PMID: 23270675. GeneReviews). Of note, the 1q21.1 critical region spans approximately 1.35 Mb and involves at least 12 genes, among which include: PRKAB2, FMO5, CHD1L, BCL9, ACP6, GJA5, GJA8, GPR89B (Buse et al. Ital J Pediatr. 2017 Jul 19;43(1):61. PMID: 28724436). In addition, incomplete penetrance and variable expressivity are also features of 1q21.1 recurrent microdeletions (Haldeman-Englert et al. Gene Reviews. 2015. PMID: 21348049).